The following is an entry in ClinVar:

ClinVar aggregate classification (germline): Uncertain significance (1 of 4 stars; one submission).

Conditions:
Fanconi anemia (FA). Also called: Fanconi's anemia. Identifiers: Orphanet 84, MedGen C0015625, MeSH D005199, MONDO:0019391.

Allele frequency attached by ClinVar (database versions not stated): gnomAD exomes below 0.00001.

Submission:

Labcorp Genetics (formerly Invitae), Labcorp
Classification: Uncertain significance for Fanconi anemia. Last evaluated: 2020-07-22. Review status: criteria provided, single submitter. Criteria: Invitae Variant Classification Sherloc (09022015). Collection method: clinical testing. Allele origin: germline.
Comment: In summary, the available evidence is currently insufficient to determine the role of this variant in disease. Therefore, it has been classified as a Variant of Uncertain Significance. Algorithms developed to predict the effect of missense changes on protein structure and function output the following: SIFT: "Tolerated"; PolyPhen-2: "Benign"; Align-GVGD: "Class C0". The leucine amino acid residue is found in multiple mammalian species, suggesting that this missense change does not adversely affect protein function. These predictions have not been confirmed by published functional studies and their clinical significance is uncertain. This variant has not been reported in the literature in individuals with SLX4-related conditions. This variant is not present in population databases (ExAC no frequency). This sequence change replaces phenylalanine with leucine at codon 1776 of the SLX4 protein (p.Phe1776Leu). The phenylalanine residue is weakly conserved and there is a small physicochemical difference between phenylalanine and leucine.

NM_032444.4(SLX4):c.5328T>G (p.Phe1776Leu)

Gene: SLX4 (SLX4 structure-specific endonuclease subunit; minus strand). Cytogenetic location: 16p13.3.
Variant type: single nucleotide variant.
Coding change: c.5328T>G on transcript NM_032444.4 (MANE Select); coding-DNA position 5328, T replaced by G.
Protein change: p.Phe1776Leu; replaces phenylalanine 1776 with leucine.
Molecular consequence: missense variant.
Genome position (GRCh38, 1-based): chr16:3,582,519, A>C on the plus strand (T>G on the coding strand, the complement: SLX4 is on the minus strand). VCF-style: chr16-3582519-A-C. GRCh37 (hg19) VCF-style: chr16-3632520-A-C.
Other names: short protein forms F1776L.
Identifiers: ClinVar variation 1011830 (VCV001011830.8), dbSNP rs2040450297, ClinGen allele CA394513725.